The following is an entry in ClinVar:

ClinVar aggregate classification (germline): Uncertain significance (1 of 4 stars; one submission).

gnomAD v4.1: 6 of 1,613,650 alleles (0.00037%); highest among the groups gnomAD compares: Non-Finnish European, 0.00051%; no homozygotes.

Submission:

Labcorp Genetics (formerly Invitae), Labcorp
Classification: Uncertain significance. Last evaluated: 2025-03-07. Review status: criteria provided, single submitter. Criteria: Invitae Variant Classification Sherloc (09022015). Collection method: clinical testing. Allele origin: germline.
Comment: This sequence change replaces glycine, which is neutral and non-polar, with alanine, which is neutral and non-polar, at codon 44 of the RIPPLY2 protein (p.Gly44Ala). This variant is present in population databases (no rsID available, gnomAD 0.0009%). This variant has not been reported in the literature in individuals affected with RIPPLY2-related conditions. An algorithm developed to predict the effect of missense changes on protein structure and function (PolyPhen-2) suggests that this variant is likely to be tolerated. In summary, the available evidence is currently insufficient to determine the role of this variant in disease. Therefore, it has been classified as a Variant of Uncertain Significance.

NM_001009994.3(RIPPLY2):c.131G>C (p.Gly44Ala)

Genes: RIPPLY2 (ripply transcriptional repressor 2; plus strand), RIPPLY2-CYB5R4 (RIPPLY2-CYB5R4 readthrough; plus strand). Cytogenetic location: 6q14.2.
Variant type: single nucleotide variant.
Coding change: c.131G>C on transcript NM_001009994.3 (MANE Select); coding-DNA position 131, G replaced by C.
Protein change: p.Gly44Ala; replaces glycine 44 with alanine.
Molecular consequence: missense variant. On other transcripts: 5 prime UTR variant (2), non-coding transcript variant (5).
Genome position (GRCh38, 1-based): chr6:83,853,730, G>C. VCF-style: chr6-83853730-G-C. GRCh37 (hg19) VCF-style: chr6-84563449-G-C.
Other names: c.-136G>C (NM_001400774.1); c.-130G>C (NM_001400899.1); c.131G>C, p.Gly44Ala (NM_001400900.1); short protein forms G44A.
Identifiers: ClinVar variation 4775582 (VCV004775582.1).